The following is an entry in ClinVar:

ClinVar aggregate classification (germline): Uncertain significance. Review status: criteria provided, multiple submitters, no conflicts (2 of 4 stars). 3 submissions from 3 submitters: Uncertain significance (3). Last evaluated 2023-07-17.

Conditions:
Hypertrophic cardiomyopathy 1 (CMH1). Also called: Familial hypertrophic cardiomyopathy 1; MYH7-Related Familial Hypertrophic Cardiomyopathy. Identifiers: MedGen C3495498, MONDO:0008647, OMIM 192600.
Hypertrophic cardiomyopathy. Also called: HYPERTROPHIC MYOCARDIOPATHY. Identifiers: Orphanet 217569, MedGen C0007194, MeSH D002312, MONDO:0005045, HP:0001639.

Allele frequency attached by ClinVar (database versions not stated): gnomAD exomes below 0.00001.
gnomAD v4.1: 3 of 1,613,454 alleles (0.00019%); highest among the groups gnomAD compares: Non-Finnish European, 0.00025%; no homozygotes.

Submissions (3):

Victorian Clinical Genetics Services, Murdoch Childrens Research Institute
Classification: Uncertain significance for Hypertrophic cardiomyopathy 1. Last evaluated: 2023-07-17. Review status: criteria provided, single submitter. Criteria: ACMG Guidelines, 2015. Collection method: clinical testing. Allele origin: germline. Inheritance: Autosomal dominant inheritance. Affected: yes.
Comment: Based on the classification scheme VCGS_Germline_v1.3.4, this variant is classified as VUS-3B. Following criteria are met: 0105 - The mechanism of disease for this gene is not clearly established; however, missense variants have been proposed to act in a dominant negative manner (PMID: 24714796). (I) 0108 - This gene is associated with both recessive and dominant disease. Disease associated with this gene usually has autosomal dominant inheritance; however, a recessive inheritance pattern has been observed in severe cases (OMIM). (I) 0112 - The condition associated with this gene has incomplete penetrance (PMID: 29300372). (I) 0200 - Variant is predicted to result in a missense amino acid change from asparagine to serine. (I) 0251 - This variant is heterozygous. (I) 0301 - Variant is absent from gnomAD (both v2 and v3). (SP) 0503 - Missense variant consistently predicted to be tolerated by multiple in silico tools or not conserved in placental mammals with a minor amino acid change. (SB) 0600 - Variant is located in the annotated myosin tail 1 domain (DECIPHER). (I) 0705 - No comparable missense variants have previous evidence for pathogenicity. (I) 0807 - This variant has no previous evidence of pathogenicity. (I) 0905 - No published segregation evidence has been identified for this variant. (I) 1007 - No published functional evidence has been identified for this variant. (I) 1208 - Inheritance information for this variant is not currently available in this individual. (I) Legend: (SP) - Supporting pathogenic, (I) - Information, (SB) - Supporting benign

Labcorp Genetics (formerly Invitae), Labcorp
Classification: Uncertain significance for Hypertrophic cardiomyopathy. Last evaluated: 2023-01-28. Review status: criteria provided, single submitter. Criteria: Invitae Variant Classification Sherloc (09022015). Collection method: clinical testing. Allele origin: germline.
Comment: In summary, the available evidence is currently insufficient to determine the role of this variant in disease. Therefore, it has been classified as a Variant of Uncertain Significance. Advanced modeling of protein sequence and biophysical properties (such as structural, functional, and spatial information, amino acid conservation, physicochemical variation, residue mobility, and thermodynamic stability) performed at Invitae indicates that this missense variant is not expected to disrupt MYH7 protein function. This variant has not been reported in the literature in individuals affected with MYH7-related conditions. This variant is not present in population databases (gnomAD no frequency). This sequence change replaces asparagine, which is neutral and polar, with serine, which is neutral and polar, at codon 1566 of the MYH7 protein (p.Asn1566Ser).

Blueprint Genetics
Classification: Uncertain significance. Last evaluated: 2022-08-01. Review status: criteria provided, single submitter. Criteria: ACMG Guidelines, 2015. Collection method: clinical testing. Allele origin: germline.

Literature cited by the submitters: PubMed 24714796 (cited by Victorian Clinical Genetics Services, Murdoch Childrens Research Institute); PubMed 29300372 (cited by Victorian Clinical Genetics Services, Murdoch Childrens Research Institute).

NM_000257.4(MYH7):c.4697A>G (p.Asn1566Ser)

Genes: MHRT (myosin heavy chain associated RNA transcript; plus strand), MYH7 (myosin heavy chain 7; minus strand), LOC126861897 (BRD4-independent group 4 enhancer GRCh37_chr14:23884455-23885654; plus strand). Cytogenetic location: 14q11.2.
Variant type: single nucleotide variant.
Coding change: c.4697A>G on transcript NM_000257.4 (MANE Select); coding-DNA position 4697, A replaced by G.
Protein change: p.Asn1566Ser; replaces asparagine 1566 with serine.
Molecular consequence: missense variant. On other transcripts: non-coding transcript variant (1).
Genome position (GRCh38, 1-based): chr14:23,416,260, T>C on the plus strand (A>G on the coding strand, the complement: MYH7 is on the minus strand). VCF-style: chr14-23416260-T-C. GRCh37 (hg19) VCF-style: chr14-23885469-T-C.
Other names: c.4697A>G, p.Asn1566Ser (NM_001407004.1); short protein forms N1566S.
Identifiers: ClinVar variation 2908745 (VCV002908745.5), dbSNP rs988401698, ClinGen allele CA257810700.